The following is an entry in ClinVar:

NM_020320.5(RARS2):c.970A>G (p.Thr324Ala)

Gene: RARS2 (arginyl-tRNA synthetase 2, mitochondrial; minus strand). Cytogenetic location: 6q15.
Variant type: single nucleotide variant.
Coding change: c.970A>G on transcript NM_020320.5 (MANE Select); coding-DNA position 970, A replaced by G.
Protein change: p.Thr324Ala; replaces threonine 324 with alanine.
Molecular consequence: missense variant. On other transcripts: non-coding transcript variant (23).
Genome position (GRCh38, 1-based): chr6:87,524,561, T>C on the plus strand (A>G on the coding strand, the complement: RARS2 is on the minus strand). VCF-style: chr6-87524561-T-C. GRCh37 (hg19) VCF-style: chr6-88234279-T-C.
Other names: p.T324A:ACC>GCC; c.445A>G, p.Thr149Ala (NM_001318785.2, NM_001350506.2, NM_001350507.2 and 4 more transcripts); c.970A>G, p.Thr324Ala (NM_001350505.2); short protein forms T324A, T149A.
Identifiers: ClinVar variation 215063 (VCV000215063.5), dbSNP rs774506039, ClinGen allele CA323585.

ClinVar aggregate classification (germline): Uncertain significance. Review status: criteria provided, multiple submitters, no conflicts (2 of 4 stars). 3 submissions from 3 submitters: Uncertain significance (2). 1 of the submissions does not count toward it. Last evaluated 2022-08-08.

Conditions:
Pontocerebellar hypoplasia type 6 (PCH6). Identifiers: Orphanet 166073, MedGen C1969084, MONDO:0012683, OMIM 611523.

Allele frequency attached by ClinVar (database versions not stated): TOPMed below 0.00001; ExAC 0.00001; gnomAD exomes 0.00002.
gnomAD v4.1: 16 of 1,606,760 alleles (0.001%); highest among the groups gnomAD compares: South Asian, 0.016%; no homozygotes.

Submissions (3):

Labcorp Genetics (formerly Invitae), Labcorp
Classification: Uncertain significance. Last evaluated: 2022-08-08. Review status: criteria provided, single submitter. Criteria: Invitae Variant Classification Sherloc (09022015). Collection method: clinical testing. Allele origin: germline.
Comment: This sequence change replaces threonine, which is neutral and polar, with alanine, which is neutral and non-polar, at codon 324 of the RARS2 protein (p.Thr324Ala). This variant is present in population databases (rs774506039, gnomAD 0.01%). This variant has not been reported in the literature in individuals affected with RARS2-related conditions. ClinVar contains an entry for this variant (Variation ID: 215063). Advanced modeling of protein sequence and biophysical properties (such as structural, functional, and spatial information, amino acid conservation, physicochemical variation, residue mobility, and thermodynamic stability) performed at Invitae indicates that this missense variant is expected to disrupt RARS2 protein function. Algorithms developed to predict the effect of sequence changes on RNA splicing suggest that this variant may disrupt the consensus splice site. In summary, the available evidence is currently insufficient to determine the role of this variant in disease. Therefore, it has been classified as a Variant of Uncertain Significance.

GeneDx
Classification: Uncertain significance. Last evaluated: 2014-03-20. Review status: criteria provided, single submitter. Criteria: GeneDx Variant Classification (06012015). Collection method: clinical testing. Allele origin: germline. Affected: yes.
Comment: p.Thr324Ala (ACC>GCC): c.970 A>G in exon 11 of the RARS2 gene (NM_020320.3) A variant of unknown significance has been identified in the RARS2 gene. The T324A variant has not been published as a mutation, nor has it been reported as a benign polymorphism to our knowledge. The T324A variant is a non-conservative amino acid substitution, which is likely to impact secondary protein structure as these residues differ in polarity, charge, size and/or other properties. This substitution occurs at a position that is conserved across species. In silico analysis is inconsistent in its predictions as to whether or not the variant is damaging to the protein structure/function. Therefore, based on the currently available information, it is unclear whether this variant is a pathogenic mutation or a rare benign variant. The variant is found in LSME-MITOP panel(s).

Natera, Inc.
Classification: Uncertain significance for Pontocerebellar hypoplasia, type 6. Last evaluated: 2019-11-11. Review status: no assertion criteria provided. Collection method: clinical testing. Allele origin: germline. Not counted in ClinVar's aggregate classification.